The following is an entry in ClinVar:

NM_001080.3(ALDH5A1):c.726+7_726+8delinsAA

Gene: ALDH5A1 (aldehyde dehydrogenase 5 family member A1; plus strand). Cytogenetic location: 6p22.3.
Variant type: Indel.
Coding change: c.726+7_726+8delinsAA on transcript NM_001080.3 (MANE Select); bases 7 to 8 of the intron after coding-DNA position 726, CG replaced by AA.
Molecular consequence: intron variant.
Genome position (GRCh38, 1-based): chr6:24,504,992-24,504,993, CG replaced by AA. VCF-style: chr6-24504992-CG-AA. GRCh37 (hg19) VCF-style: chr6-24505220-CG-AA.
Other names: c.726+7_726+8delinsAA (NM_170740.1, NM_001368954.1).
Identifiers: ClinVar variation 1989482 (VCV001989482.4), dbSNP rs2532835940, ClinGen allele CA2580074533.

ClinVar aggregate classification (germline): Uncertain significance (1 of 4 stars; one submission).

Conditions:
Succinate-semialdehyde dehydrogenase deficiency (SSADHD). Also called: GABA METABOLIC DEFECT; SSADH DEFICIENCY; Succinic Semialdehyde Dehydrogenase Deficiency; 4-HYDROXYBUTYRIC ACIDURIA. Identifiers: Orphanet 22, MedGen C0268631, MONDO:0010083, OMIM 271980.

Submission:

Labcorp Genetics (formerly Invitae), Labcorp
Classification: Uncertain significance for Succinate-semialdehyde dehydrogenase deficiency. Last evaluated: 2024-12-02. Review status: criteria provided, single submitter. Criteria: Invitae Variant Classification Sherloc (09022015). Collection method: clinical testing. Allele origin: germline.
Comment: This sequence change falls in intron 4 of the ALDH5A1 gene. It does not directly change the encoded amino acid sequence of the ALDH5A1 protein. Information on the frequency of this variant in the gnomAD database is not available, as this variant may be reported differently in the database. This variant has not been reported in the literature in individuals affected with ALDH5A1-related conditions. ClinVar contains an entry for this variant (Variation ID: 1989482). Experimental studies and prediction algorithms are not available or were not evaluated, and the effect of this variant on mRNA splicing is currently unknown. In summary, the available evidence is currently insufficient to determine the role of this variant in disease. Therefore, it has been classified as a Variant of Uncertain Significance.